The following is an entry in ClinVar:

NM_000701.8(ATP1A1):c.2677C>T (p.Arg893Cys)

Genes: ATP1A1 (ATPase Na+/K+ transporting subunit alpha 1; plus strand), ATP1A1-AS1 (ATP1A1 antisense RNA 1; minus strand). Cytogenetic location: 1p13.1.
Variant type: single nucleotide variant.
Coding change: c.2677C>T on transcript NM_000701.8 (MANE Select); coding-DNA position 2677, C replaced by T.
Protein change: p.Arg893Cys; replaces arginine 893 with cysteine.
Molecular consequence: missense variant. On other transcripts: non-coding transcript variant (2).
Genome position (GRCh38, 1-based): chr1:116,400,965, C>T. VCF-style: chr1-116400965-C-T. GRCh37 (hg19) VCF-style: chr1-116943587-C-T.
Other names: c.2677C>T, p.Arg893Cys (NM_001160233.2); c.2584C>T, p.Arg862Cys (NM_001160234.2); short protein forms R862C, R893C.
Identifiers: ClinVar variation 1349591 (VCV001349591.6), dbSNP rs764919483, ClinGen allele CA1025602.
Genomic context (GRCh38, chr1:116,400,965, plus strand): 5'-CTGGCTGAGAACGGCTTCCTCCCAATTCACCTGTTGGGCCTCCGAGTGGACTGGGATGAC[C>T]GCTGGATCAACGATGTGGAAGACAGCTACGGGCAGCAGTGGGTGAGTGGGCACCTCTGAC-3'
Protein context (NP_000692.2, residues 883-903): LLGLRVDWDD[Arg893Cys]WINDVEDSYG

ClinVar aggregate classification (germline): Uncertain significance (1 of 4 stars; one submission).

Allele frequency attached by ClinVar (database versions not stated): gnomAD exomes below 0.00001; TOPMed below 0.00001; ExAC 0.00001; gnomAD 0.00001.
gnomAD v4.1: 4 of 1,614,020 alleles (0.00025%); highest among the groups gnomAD compares: South Asian, 0.0011%; no homozygotes.

Submission:

Labcorp Genetics (formerly Invitae), Labcorp
Classification: Uncertain significance. Last evaluated: 2021-11-05. Review status: criteria provided, single submitter. Criteria: Invitae Variant Classification Sherloc (09022015). Collection method: clinical testing. Allele origin: germline.
Comment: In summary, the available evidence is currently insufficient to determine the role of this variant in disease. Therefore, it has been classified as a Variant of Uncertain Significance. Advanced modeling of protein sequence and biophysical properties (such as structural, functional, and spatial information, amino acid conservation, physicochemical variation, residue mobility, and thermodynamic stability) performed at Invitae indicates that this missense variant is not expected to disrupt ATP1A1 protein function. This variant has not been reported in the literature in individuals affected with ATP1A1-related conditions. This variant is present in population databases (rs764919483, gnomAD 0.003%). This sequence change replaces arginine, which is basic and polar, with cysteine, which is neutral and slightly polar, at codon 893 of the ATP1A1 protein (p.Arg893Cys).